The following is an entry in ClinVar:

NM_003000.3(SDHB):c.367A>G (p.Lys123Glu)

Gene: SDHB (succinate dehydrogenase complex iron sulfur subunit B; minus strand). Cytogenetic location: 1p36.13.
Variant type: single nucleotide variant.
Coding change: c.367A>G on transcript NM_003000.3 (MANE Select); coding-DNA position 367, A replaced by G.
Protein change: p.Lys123Glu; replaces lysine 123 with glutamic acid.
Molecular consequence: missense variant.
Genome position (GRCh38, 1-based): chr1:17,028,656, T>C on the plus strand (A>G on the coding strand, the complement: SDHB is on the minus strand). VCF-style: chr1-17028656-T-C. GRCh37 (hg19) VCF-style: chr1-17355151-T-C.
Other names: short protein forms K123E.
Identifiers: ClinVar variation 824061 (VCV000824061.10), dbSNP rs1570948588, ClinGen allele CA338274454.

ClinVar aggregate classification (germline): Uncertain significance. Review status: criteria provided, multiple submitters, no conflicts (2 of 4 stars). 2 submissions from 2 submitters: Uncertain significance (2). Last evaluated 2024-08-01.

Conditions:
Hereditary cancer-predisposing syndrome. Also called: Neoplastic Syndromes, Hereditary; Tumor predisposition; Hereditary Cancer Syndrome; Hereditary neoplastic syndrome. Identifiers: Orphanet 140162, MedGen C0027672, MeSH D009386, MONDO:0015356.
Pheochromocytoma/paraganglioma syndrome 4. Also called: CAROTID BODY TUMORS AND MULTIPLE EXTRAADRENAL PHEOCHROMOCYTOMAS; SDHB-Related Hereditary Paraganglioma-Pheochromocytoma Syndrome (Paragangliomas 4); SDHB-Related Hereditary Paraganglioma-Pheochromocytoma Syndrome; PARAGANGLIOMA, FAMILIAL MALIGNANT; PARAGANGLIOMAS, HEREDITARY EXTRAADRENAL; PHEOCHROMOCYTOMA, FAMILIAL EXTRAADRENAL. Identifiers: Orphanet 29072, MedGen C1861848, MONDO:0007273, OMIM 115310.
Gastrointestinal stromal tumor. Also called: Gastrointestinal stromal tumor, somatic; Gastrointestinal stroma tumor. Identifiers: Orphanet 44890, MedGen C0238198, MeSH D046152, MONDO:0011719, OMIM 606764, HP:0100723.
Pheochromocytoma. Also called: MAX-Related Hereditary Paraganglioma-Pheochromocytoma Syndrome. Identifiers: Orphanet 29072, MedGen C0031511, MONDO:0008233, OMIM 171300, HP:0002666.

Allele frequency attached by ClinVar (database versions not stated): TOPMed below 0.00001.

Submissions (2):

Labcorp Genetics (formerly Invitae), Labcorp
Classification: Uncertain significance for Gastrointestinal stromal tumor; Pheochromocytoma/paraganglioma syndrome 4; Pheochromocytoma. Last evaluated: 2024-08-01. Review status: criteria provided, single submitter. Criteria: Invitae Variant Classification Sherloc (09022015). Collection method: clinical testing. Allele origin: germline.
Comment: This sequence change replaces lysine, which is basic and polar, with glutamic acid, which is acidic and polar, at codon 123 of the SDHB protein (p.Lys123Glu). This variant is not present in population databases (gnomAD no frequency). This variant has not been reported in the literature in individuals affected with SDHB-related conditions. ClinVar contains an entry for this variant (Variation ID: 824061). Advanced modeling of protein sequence and biophysical properties (such as structural, functional, and spatial information, amino acid conservation, physicochemical variation, residue mobility, and thermodynamic stability) performed at Invitae indicates that this missense variant is not expected to disrupt SDHB protein function with a negative predictive value of 80%. In summary, the available evidence is currently insufficient to determine the role of this variant in disease. Therefore, it has been classified as a Variant of Uncertain Significance.

Ambry Genetics
Classification: Uncertain significance for Hereditary cancer-predisposing syndrome. Last evaluated: 2024-07-27. Review status: criteria provided, single submitter. Criteria: Ambry Variant Classification Scheme 2023. Collection method: clinical testing. Allele origin: germline.
Comment: The p.K123E variant (also known as c.367A>G), located in coding exon 4 of the SDHB gene, results from an A to G substitution at nucleotide position 367. The lysine at codon 123 is replaced by glutamic acid, an amino acid with similar properties. This amino acid position is highly conserved in available vertebrate species. In addition, this alteration is predicted to be deleterious by in silico analysis. Since supporting evidence is limited at this time, the clinical significance of this alteration remains unclear.